The following is an entry in ClinVar:

ClinVar aggregate classification (germline): Conflicting classifications of pathogenicity. Review status: criteria provided, conflicting classifications (1 of 4 stars). 8 submissions from 8 submitters: Uncertain significance (5); Likely benign (1). 2 of the submissions do not count toward it. Last evaluated 2025-12-04.

Conditions:
BRCA2-related cancer predisposition. Identifiers: MedGen CN377758, MONDO:0700269.
Hereditary cancer-predisposing syndrome. Also called: Tumor predisposition; Hereditary Cancer Syndrome; Neoplastic Syndromes, Hereditary; Hereditary neoplastic syndrome. Identifiers: Orphanet 140162, MedGen C0027672, MeSH D009386, MONDO:0015356.
Hereditary breast ovarian cancer syndrome. Also called: Hereditary breast and ovarian cancer; Hereditary breast and/or ovarian cancer syndrome; BRCA1- and BRCA2-Associated Hereditary Breast and Ovarian Cancer; Hereditary breast and ovarian cancer syndrome; Hereditary breast and ovarian cancer syndrome (HBOC); Breast and ovarian cancer. Identifiers: Orphanet 145, MedGen C0677776, MeSH D061325, MONDO:0003582. Disease mechanism: loss of function.
Breast-ovarian cancer, familial, susceptibility to, 2 (BROVCA2). Also called: BRCA2 Hereditary Breast and Ovarian Cancer. Identifiers: Orphanet 145, MedGen C2675520, MONDO:0012933, OMIM 612555. Disease mechanism: loss of function.

Allele frequency attached by ClinVar (database versions not stated): gnomAD exomes below 0.00001; gnomAD 0.00001.
gnomAD v4.1: 4 of 1,613,964 alleles (0.00025%); highest among the groups gnomAD compares: Non-Finnish European, 0.00034%; no homozygotes.

Submissions (8):

Ambry Genetics
Classification: Uncertain significance for Hereditary cancer-predisposing syndrome. Last evaluated: 2025-12-04. Review status: criteria provided, single submitter. Criteria: Ambry Variant Classification Scheme 2023. Collection method: clinical testing. Allele origin: germline.
Comment: The p.V1176I variant (also known as c.3526G>A), located in coding exon 10 of the BRCA2 gene, results from a G to A substitution at nucleotide position 3526. The valine at codon 1176 is replaced by isoleucine, an amino acid with highly similar properties. This amino acid position is poorly conserved in available vertebrate species. In addition, this alteration is predicted to be tolerated by in silico analysis. Since supporting evidence is limited at this time, the clinical significance of this alteration remains unclear.

Labcorp Genetics (formerly Invitae), Labcorp
Classification: Uncertain significance for Hereditary breast ovarian cancer syndrome. Last evaluated: 2025-10-03. Review status: criteria provided, single submitter. Criteria: Invitae Variant Classification Sherloc (09022015). Collection method: clinical testing. Allele origin: germline.
Comment: This sequence change replaces valine, which is neutral and non-polar, with isoleucine, which is neutral and non-polar, at codon 1176 of the BRCA2 protein (p.Val1176Ile). This variant is not present in population databases (gnomAD no frequency). This missense change has been observed in individual(s) with breast cancer (PMID: 22713736). ClinVar contains an entry for this variant (Variation ID: 126016). Invitae Evidence Modeling of protein sequence and biophysical properties (such as structural, functional, and spatial information, amino acid conservation, physicochemical variation, residue mobility, and thermodynamic stability) indicates that this missense variant is not expected to disrupt BRCA2 protein function with a negative predictive value of 95%. Experimental studies have shown that this missense change does not substantially affect BRCA2 function (PMID: 37922907). In summary, the available evidence is currently insufficient to determine the role of this variant in disease. Therefore, it has been classified as a Variant of Uncertain Significance.

All of Us Research Program, National Institutes of Health
Classification: Uncertain significance for BRCA2-related cancer predisposition. Last evaluated: 2024-05-30. Review status: criteria provided, single submitter. Criteria: ACMG Guidelines, 2015. Collection method: clinical testing. Allele origin: germline. Inheritance: Autosomal dominant inheritance. Observed: 1 variant allele, 1 heterozygote.
Comment: This missense variant replaces valine with isoleucine at codon 1176 of the BRCA2 protein. Computational prediction suggests that this variant may not impact protein structure and function. This variant does not impact cell viability or drug sensitivity in Brca2-deficient mouse embryonic stem cells (PMID: 37922907). In a large breast cancer case-control meta-analysis, this variant was reported in 1/60466 cases and 1/53461 unaffected controls (PMID: 33471991; Leiden Open Variation Database DB-ID BRCA2_008075). This variant has been reported in a multifactorial analysis with co-occurrence and family history likelihood ratios for pathogenicity of 1.050 and 0.745, respectively (PMID: 31131967). This variant has not been identified in the general population by the Genome Aggregation Database (gnomAD). The available evidence is insufficient to determine the role of this variant in disease conclusively. Therefore, this variant is classified as a Variant of Uncertain Significance.

This study involves interpretation of variants in research participants for the purpose of population health screening. Participant phenotype was not available at the time of variant classification. Additional details can be found in publication PMID: 35346344, PMCID: PMC8962531

Color Diagnostics, LLC DBA Color Health
Classification: Uncertain significance for Hereditary cancer-predisposing syndrome. Last evaluated: 2024-05-14. Review status: criteria provided, single submitter. Criteria: ACMG Guidelines, 2015. Collection method: clinical testing. Allele origin: germline.
Comment: This missense variant replaces valine with isoleucine at codon 1176 of the BRCA2 protein. Computational prediction suggests that this variant may not impact protein structure and function. This variant does not impact cell viability or drug sensitivity in Brca2-deficient mouse embryonic stem cells (PMID: 37922907). In a large breast cancer case-control meta-analysis, this variant was reported in 1/60466 cases and 1/53461 unaffected controls (PMID: 33471991; Leiden Open Variation Database DB-ID BRCA2_008075). This variant has been reported in a multifactorial analysis with co-occurrence and family history likelihood ratios for pathogenicity of 1.050 and 0.745, respectively (PMID: 31131967). This variant has not been identified in the general population by the Genome Aggregation Database (gnomAD). The available evidence is insufficient to determine the role of this variant in disease conclusively. Therefore, this variant is classified as a Variant of Uncertain Significance.

Quest Diagnostics Nichols Institute San Juan Capistrano
Classification: Uncertain significance. Last evaluated: 2023-07-28. Review status: criteria provided, single submitter. Criteria: Quest Diagnostics criteria. Collection method: clinical testing. Allele origin: unknown.
Comment: In the published literature, this variant has been reported in several individuals in a hereditary cancer testing cohort (PMID: 31853058 (2020)). It has also been observed in an individual with breast cancer and in a control individual in a breast cancer association study (PMID: 33471991 (2021), ). In addition, this variant has been reported to be located in a region of the BRCA2 gene that is tolerant to missense sequence changes (PMID: 31911673 (2020)). The frequency of this variant in the general population, 0.0000066 (1/152190 chromosomes (Genome Aggregation Database)), is uninformative in the assessment of its pathogenicity. Analysis of this variant using bioinformatics tools for the prediction of the effect of amino acid changes on protein structure and function yielded predictions that this variant is benign. Based on the available information, we are unable to determine the clinical significance of this variant.

University of Washington Department of Laboratory Medicine, University of Washington
Classification: Likely benign for Hereditary cancer-predisposing syndrome. Last evaluated: 2023-03-23. Review status: criteria provided, single submitter. Criteria: Dines et al. (Genet Med. 2020). Collection method: curation. Allele origin: germline.
Comment: Missense variant in a coldspot region where missense variants are very unlikely to be pathogenic (PMID:31911673).

BRCA2 exon 11 coldspot. Reclassification based on statistical prior probability.

Sharing Clinical Reports Project (SCRP)
Classification: Uncertain significance for Breast-ovarian cancer, familial 2. Last evaluated: 2008-11-07. Review status: no assertion criteria provided. Collection method: clinical testing. Allele origin: germline. Not counted in ClinVar's aggregate classification.

Breast Cancer Information Core (BIC) (BRCA2)
Classification: Uncertain significance for Breast-ovarian cancer, familial 2. Last evaluated: 2002-05-29. Review status: no assertion criteria provided. Collection method: clinical testing. Allele origin: germline. Affected: yes. Observed: 1 variant allele. Not counted in ClinVar's aggregate classification.

Literature cited by the submitters: PubMed 22713736 (cited by Labcorp Genetics (formerly Invitae), Labcorp); PubMed 37922907 (cited by 3 submitters); PubMed 31131967 (cited by 3 submitters); PubMed 33471991 (cited by 3 submitters); PubMed 31911673 (cited by Quest Diagnostics Nichols Institute San Juan Capistrano); PubMed 31853058 (cited by Quest Diagnostics Nichols Institute San Juan Capistrano).

NM_000059.4(BRCA2):c.3526G>A (p.Val1176Ile)

Gene: BRCA2 (BRCA2 DNA repair associated; plus strand). Cytogenetic location: 13q13.1.
Variant type: single nucleotide variant.
Coding change: c.3526G>A on transcript NM_000059.4 (MANE Select); coding-DNA position 3526, G replaced by A.
Protein change: p.Val1176Ile; replaces valine 1176 with isoleucine.
Molecular consequence: missense variant.
Genome position (GRCh38, 1-based): chr13:32,337,881, G>A. VCF-style: chr13-32337881-G-A. GRCh37 (hg19) VCF-style: chr13-32912018-G-A.
Other names: 3754G>A; short protein forms V1176I.
Identifiers: ClinVar variation 126016 (VCV000126016.22), dbSNP rs80358602, ClinGen allele CA018256.